The following is an entry in ClinVar:

ClinVar aggregate classification (germline): Uncertain significance. Review status: criteria provided, multiple submitters, no conflicts (2 of 4 stars). 2 submissions from 2 submitters: Uncertain significance (2). Last evaluated 2019-12-04.

Allele frequency attached by ClinVar (database versions not stated): TOPMed below 0.00001; ExAC 0.00001; gnomAD exomes 0.00001.
gnomAD v4.1: 3 of 1,597,578 alleles (0.00019%); highest among the groups gnomAD compares: Non-Finnish European, 0.00026%; no homozygotes.

Submissions (2):

GeneDx
Classification: Uncertain significance. Last evaluated: 2019-12-04. Review status: criteria provided, single submitter. Criteria: GeneDx Variant Classification Process June 2021. Collection method: clinical testing. Allele origin: germline. Affected: yes.
Comment: The majority of missense variants in this gene are considered pathogenic (Stenson et al., 2014); In silico analysis, which includes protein predictors and evolutionary conservation, supports a deleterious effect; This variant is associated with the following publications: (PMID: 27875746)

Eurofins Ntd Llc (ga)
Classification: Uncertain significance. Last evaluated: 2014-06-03. Review status: criteria provided, single submitter. Criteria: EGL Classification Definitions 2015. Collection method: clinical testing. Allele origin: germline. Observed: 2 variant alleles, 2 heterozygotes.

NM_001330260.2(SCN8A):c.302A>G (p.Lys101Arg)

Gene: SCN8A (sodium voltage-gated channel alpha subunit 8; plus strand). Cytogenetic location: 12q13.13.
Variant type: single nucleotide variant.
Coding change: c.302A>G on transcript NM_001330260.2 (MANE Select); coding-DNA position 302, A replaced by G.
Protein change: p.Lys101Arg; replaces lysine 101 with arginine.
Molecular consequence: missense variant.
Genome position (GRCh38, 1-based): chr12:51,684,199, A>G. VCF-style: chr12-51684199-A-G. GRCh37 (hg19) VCF-style: chr12-52077983-A-G.
Other names: c.302A>G, p.Lys101Arg (NM_001177984.3, NM_001369788.1, NM_014191.4); short protein forms K101R.
Identifiers: ClinVar variation 196461 (VCV000196461.7), dbSNP rs773765456, ClinGen allele CA243416.